The following is an entry in ClinVar:

ClinVar aggregate classification (germline): Uncertain significance (1 of 4 stars; one submission).

Submission:

Labcorp Genetics (formerly Invitae), Labcorp
Classification: Uncertain significance. Last evaluated: 2026-01-04. Review status: criteria provided, single submitter. Criteria: Invitae Variant Classification Sherloc (09022015). Collection method: clinical testing. Allele origin: germline.
Comment: This sequence change replaces alanine, which is neutral and non-polar, with valine, which is neutral and non-polar, at codon 691 of the EGF protein (p.Ala691Val). This variant is present in population databases (no rsID available, gnomAD 0.002%). This variant has not been reported in the literature in individuals affected with EGF-related conditions. ClinVar contains an entry for this variant (Variation ID: 1904325). An algorithm developed to predict the effect of missense changes on protein structure and function (PolyPhen-2) suggests that this variant is likely to be disruptive. In summary, the available evidence is currently insufficient to determine the role of this variant in disease. Therefore, it has been classified as a Variant of Uncertain Significance.

NM_001963.6(EGF):c.2072_2073inv (p.Ala691Val)

Genes: EGF (epidermal growth factor; plus strand), LOC126807134 (BRD4-independent group 4 enhancer GRCh37_chr4:110900995-110902194; plus strand). Cytogenetic location: 4q25.
Variant type: Inversion.
Coding change: c.2072_2073inv on transcript NM_001963.6 (MANE Select).
Protein change: p.Ala691Val; replaces alanine 691 with valine.
Molecular consequence: missense variant.
Genome position: GRCh38 VCF-style: chr4-109979990-CA-TG. GRCh37 (hg19) VCF-style: chr4-110901146-CA-TG.
Other names: c.2072_2073inv, p.Ala691Val (NM_001178130.3); c.1946_1947inv, p.Ala649Val (NM_001178131.3, NM_001357021.2); short protein forms A691V, A649V.
Identifiers: ClinVar variation 1904325 (VCV001904325.5), ClinGen allele CA2580071348.